The following is an entry in ClinVar:

ClinVar aggregate classification (germline): Uncertain significance. Review status: criteria provided, multiple submitters, no conflicts (2 of 4 stars). 3 submissions from 2 submitters: Uncertain significance (3). Last evaluated 2025-06-17.

Conditions:
Macular degeneration. Also called: Degenerative disorder of macula. Identifiers: MedGen C0024437, MONDO:0003004, HP:0000608.
Atypical hemolytic-uremic syndrome with B factor anomaly. Also called: HEMOLYTIC UREMIC SYNDROME, ATYPICAL, SUSCEPTIBILITY TO, 4; AHUS, SUSCEPTIBILITY TO, 4. Identifiers: Orphanet 2134, MedGen C2752038, MONDO:0013042, OMIM 612924.

Allele frequency attached by ClinVar (database versions not stated): gnomAD exomes below 0.00001; gnomAD 0.00001; TOPMed 0.00001; ESP Exome Variant Server 0.00008.
gnomAD v4.1: 63 of 1,614,114 alleles (0.0039%); highest among the groups gnomAD compares: Non-Finnish European, 0.0053%; no homozygotes.

Submissions (3):

Labcorp Genetics (formerly Invitae), Labcorp
Classification: Uncertain significance. Last evaluated: 2025-06-17. Review status: criteria provided, single submitter. Criteria: Invitae Variant Classification Sherloc (09022015). Collection method: clinical testing. Allele origin: germline.
Comment: This sequence change replaces lysine, which is basic and polar, with arginine, which is basic and polar, at codon 306 of the CFB protein (p.Lys306Arg). This variant is present in population databases (rs374738591, gnomAD 0.0009%). This variant has not been reported in the literature in individuals affected with CFB-related conditions. ClinVar contains an entry for this variant (Variation ID: 906167). Invitae Evidence Modeling of protein sequence and biophysical properties (such as structural, functional, and spatial information, amino acid conservation, physicochemical variation, residue mobility, and thermodynamic stability) indicates that this missense variant is not expected to disrupt CFB protein function with a negative predictive value of 80%. In summary, the available evidence is currently insufficient to determine the role of this variant in disease. Therefore, it has been classified as a Variant of Uncertain Significance.

Illumina Laboratory Services, Illumina
Classification: Uncertain significance for Macular degeneration. Last evaluated: 2018-01-13. Review status: criteria provided, single submitter. Criteria: ICSL Variant Classification Criteria 13 December 2019. Collection method: clinical testing. Allele origin: germline.

Illumina Laboratory Services, Illumina
Classification: Uncertain significance for Atypical hemolytic-uremic syndrome with B factor anomaly. Last evaluated: 2018-01-13. Review status: criteria provided, single submitter. Criteria: ICSL Variant Classification Criteria 13 December 2019. Collection method: clinical testing. Allele origin: germline.

NM_001710.6(CFB):c.917A>G (p.Lys306Arg)

Gene: CFB (complement factor B; plus strand). Cytogenetic location: 6p21.33.
Variant type: single nucleotide variant.
Coding change: c.917A>G on transcript NM_001710.6 (MANE Select); coding-DNA position 917, A replaced by G.
Protein change: p.Lys306Arg; replaces lysine 306 with arginine.
Molecular consequence: missense variant.
Genome position (GRCh38, 1-based): chr6:31,948,393, A>G. VCF-style: chr6-31948393-A-G. GRCh37 (hg19) VCF-style: chr6-31916170-A-G.
Other names: short protein forms K306R.
Identifiers: ClinVar variation 906167 (VCV000906167.8), dbSNP rs374738591, ClinGen allele CA136894909.